The following is an entry in ClinVar:

ClinVar aggregate classification (germline): Uncertain significance (1 of 4 stars; one submission).

Conditions:
ADCY3-related disorder. Also called: ADCY3-related condition.

gnomAD v4.1: 1 of 1,614,014 alleles (0.000062%); highest among the groups gnomAD compares: Non-Finnish European, 0.000085%; no homozygotes.

Submission:

PreventionGenetics, part of Exact Sciences
Classification: Uncertain significance for ADCY3-related condition. Last evaluated: 2025-09-12. Review status: criteria provided, single submitter. Criteria: ACMG Guidelines, 2015. Collection method: clinical testing. Allele origin: germline.
Comment: The ADCY3 c.496A>G variant is predicted to result in the amino acid substitution p.Ser166Gly. To our knowledge, this variant has not been reported in the literature or in a large population database (gnomAD), indicating this variant is rare. At this time, the clinical significance of this variant is uncertain due to the absence of conclusive functional and genetic evidence.

NM_004036.5(ADCY3):c.496A>G (p.Ser166Gly)

Gene: ADCY3 (adenylate cyclase 3; minus strand). Cytogenetic location: 2p23.3.
Variant type: single nucleotide variant.
Coding change: c.496A>G on transcript NM_004036.5 (MANE Select); coding-DNA position 496, A replaced by G.
Protein change: p.Ser166Gly; replaces serine 166 with glycine.
Molecular consequence: missense variant.
Genome position (GRCh38, 1-based): chr2:24,918,492, T>C on the plus strand (A>G on the coding strand, the complement: ADCY3 is on the minus strand). VCF-style: chr2-24918492-T-C. GRCh37 (hg19) VCF-style: chr2-25141361-T-C.
Other names: c.496A>G, p.Ser166Gly (NM_001320613.2, NM_001377128.1, NM_001377129.1 and 2 more transcripts); short protein forms S166G.
Identifiers: ClinVar variation 4993903 (VCV004993903.1).